The following is an entry in ClinVar:

ClinVar aggregate classification (germline): Uncertain significance (1 of 4 stars; one submission).

Conditions:
Inborn genetic diseases. Identifiers: MedGen C0950123, MeSH D030342.

Submission:

Ambry Genetics
Classification: Uncertain significance for Inborn genetic diseases. Last evaluated: 2025-05-27. Review status: criteria provided, single submitter. Criteria: Ambry Variant Classification Scheme 2023. Collection method: clinical testing. Allele origin: germline.
Comment: The p.Q331L variant (also known as c.992A>T), located in coding exon 9 of the ANKRD26 gene, results from an A to T substitution at nucleotide position 992. The glutamine at codon 331 is replaced by leucine, an amino acid with dissimilar properties. This amino acid position is conserved. In addition, this alteration is predicted to be tolerated by in silico analysis. Based on the available evidence, the clinical significance of this variant remains unclear.

NM_014915.3(ANKRD26):c.992A>T (p.Gln331Leu)

Gene: ANKRD26 (ankyrin repeat domain containing 26; minus strand). Cytogenetic location: 10p12.1.
Variant type: single nucleotide variant.
Coding change: c.992A>T on transcript NM_014915.3 (MANE Select); coding-DNA position 992, A replaced by T.
Protein change: p.Gln331Leu; replaces glutamine 331 with leucine.
Molecular consequence: missense variant.
Genome position (GRCh38, 1-based): chr10:27,077,423, T>A on the plus strand (A>T on the coding strand, the complement: ANKRD26 is on the minus strand). VCF-style: chr10-27077423-T-A. GRCh37 (hg19) VCF-style: chr10-27366352-T-A.
Other names: c.992A>T, p.Gln331Leu (NM_001256053.2); short protein forms Q331L.
Identifiers: ClinVar variation 3914873 (VCV003914873.1).